The following is an entry in ClinVar:

NM_144997.7(FLCN):c.1015C>T (p.Gln339Ter)

Gene: FLCN (folliculin; minus strand). Cytogenetic location: 17p11.2.
Variant type: single nucleotide variant.
Coding change: c.1015C>T on transcript NM_144997.7 (MANE Select); coding-DNA position 1015, C replaced by T.
Protein change: p.Gln339Ter; replaces glutamine 339 with a stop codon.
Molecular consequence: nonsense.
Genome position (GRCh38, 1-based): chr17:17,219,066, G>A on the plus strand (C>T on the coding strand, the complement: FLCN is on the minus strand). VCF-style: chr17-17219066-G-A. GRCh37 (hg19) VCF-style: chr17-17122380-G-A.
Other names: c.1069C>T, p.Gln357Ter (NM_001353229.2); c.1015C>T, p.Gln339Ter (NM_001353230.2, NM_001353231.2); c.1015C>T (NM_144997.6); short protein forms Q339*, Q357*.
Identifiers: ClinVar variation 1458404 (VCV001458404.12), dbSNP rs2144894376, ClinGen allele CA398532749.

ClinVar aggregate classification (germline): Pathogenic. Review status: criteria provided, multiple submitters, no conflicts (2 of 4 stars). 5 submissions from 5 submitters: Pathogenic (4). 1 of the submissions does not count toward it. Last evaluated 2024-12-04.

Conditions:
Colorectal cancer. Also called: Colorectal cancer, somatic; Malignant Colorectal Neoplasm. Identifiers: MedGen C0346629, MONDO:0005575, OMIM 114500.
Birt-Hogg-Dube syndrome 1 (BHD1). Also called: FIBROFOLLICULOMAS WITH TRICHODISCOMAS AND ACROCHORDONS. Identifiers: Orphanet 122, MedGen CN375946, MONDO:0800445, OMIM 135150.
Familial spontaneous pneumothorax (PSP). Identifiers: Orphanet 2903, MedGen C1868193, MONDO:0008259, OMIM 173600.
Nonpapillary renal cell carcinoma. Identifiers: Orphanet 422526, MedGen CN074294, MONDO:0007763, OMIM 144700.
Birt-Hogg-Dube syndrome. Also called: Birt Hogg Dubé syndrome. Identifiers: Orphanet 122, MedGen C0346010, MONDO:0800444.
Hereditary cancer-predisposing syndrome. Also called: Hereditary Cancer Syndrome; Hereditary neoplastic syndrome; Tumor predisposition; Neoplastic Syndromes, Hereditary. Identifiers: Orphanet 140162, MedGen C0027672, MeSH D009386, MONDO:0015356.

Submissions (5):

Labcorp Genetics (formerly Invitae), Labcorp
Classification: Pathogenic for Birt-Hogg-Dube syndrome. Last evaluated: 2024-12-04. Review status: criteria provided, single submitter. Criteria: Invitae Variant Classification Sherloc (09022015). Collection method: clinical testing. Allele origin: germline.
Comment: This sequence change creates a premature translational stop signal (p.Gln339*) in the FLCN gene. It is expected to result in an absent or disrupted protein product. Loss-of-function variants in FLCN are known to be pathogenic (PMID: 15852235). This variant is not present in population databases (gnomAD no frequency). This premature translational stop signal has been observed in individual(s) with Birt-Hogg-Dubé syndrome (PMID: 28539984, 28558743). ClinVar contains an entry for this variant (Variation ID: 1458404). For these reasons, this variant has been classified as Pathogenic.

Quest Diagnostics Nichols Institute San Juan Capistrano
Classification: Pathogenic. Last evaluated: 2022-11-25. Review status: criteria provided, single submitter. Criteria: Quest Diagnostics criteria. Collection method: clinical testing. Allele origin: unknown.
Comment: This nonsense variant causes the premature termination of FLCN protein synthesis. It has not been reported in large, multi-ethnic general populations. In the published literature, the variant has been reported in individuals with Birt-Hogg-Dube (BHD) syndrome (PMID: 35578266 (2022), 35126451 (2022), 28539984 (2017), 28558743 (2017)). Based on the available information, this variant is classified as pathogenic.

Ambry Genetics
Classification: Pathogenic for Hereditary cancer-predisposing syndrome. Last evaluated: 2019-04-14. Review status: criteria provided, single submitter. Criteria: Ambry Variant Classification Scheme 2023. Collection method: clinical testing. Allele origin: germline.
Comment: The p.Q339* pathogenic mutation (also known as c.1015C>T), located in coding exon 6 of the FLCN gene, results from a C to T substitution at nucleotide position 1015. This changes the amino acid from a glutamine to a stop codon within coding exon 6. This mutation has been detected in multiple individuals/families suspected of having Birt-Hogg-Dube syndrome (Rato M et al. J Dermatol Case Rep. 2017 Mar;11:12-15; Liu Y et al. Orphanet J Rare Dis. 2017 05;12:104). In addition to the clinical data presented in the literature, this alteration is expected to result in loss of function by premature protein truncation or nonsense-mediated mRNA decay. As such, this alteration is interpreted as a disease-causing mutation.

Juno Genomics, Hangzhou Juno Genomics, Inc
Classification: Pathogenic for Birt-Hogg-Dube syndrome 1; Colorectal cancer; Familial spontaneous pneumothorax; Nonpapillary renal cell carcinoma. Review status: criteria provided, single submitter. Criteria: ACMG Guidelines, 2015. Collection method: clinical testing. Allele origin: germline.
Comment: Absent from controls (or at extremely low frequency if recessive) in Genome Aggregation Database.;Null variant in a gene where loss of function (LOF) is a known mechanism of disease.;The prevalence of the variant in affected individuals is significantly increased compared to the prevalence in controls.

Division of Respiratory Medicine of Juntendo University, Juntendo University Faculty of Medicine and Graduate School of Medicine
Classification: Pathogenic for Birt-Hogg-Dube syndrome 1. Last evaluated: 2023-07-01. Review status: no assertion criteria provided. Collection method: clinical testing. Allele origin: germline. Affected: yes. Not counted in ClinVar's aggregate classification.

Literature cited by the submitters: PubMed 15852235 (cited by Labcorp Genetics (formerly Invitae), Labcorp); PubMed 28539984 (cited by 3 submitters); PubMed 28558743 (cited by 3 submitters); PubMed 35126451 (cited by Quest Diagnostics Nichols Institute San Juan Capistrano); PubMed 35578266 (cited by Quest Diagnostics Nichols Institute San Juan Capistrano); PubMed 35637701 (cited by Quest Diagnostics Nichols Institute San Juan Capistrano).